The following is an entry in ClinVar:

NM_001111125.3(IQSEC2):c.1463C>G (p.Ser488Cys)

Gene: IQSEC2 (IQ motif and Sec7 domain ArfGEF 2; minus strand). Cytogenetic location: Xp11.22.
Variant type: single nucleotide variant.
Coding change: c.1463C>G on transcript NM_001111125.3 (MANE Select); coding-DNA position 1463, C replaced by G.
Protein change: p.Ser488Cys; replaces serine 488 with cysteine.
Molecular consequence: missense variant.
Genome position (GRCh38, 1-based): chrX:53,251,113, G>C on the plus strand (C>G on the coding strand, the complement: IQSEC2 is on the minus strand). VCF-style: chrX-53251113-G-C. GRCh37 (hg19) VCF-style: chrX-53280295-G-C.
Other names: c.1463C>G, p.Ser488Cys (NM_001410736.1); c.848C>G, p.Ser283Cys (NM_015075.2); short protein forms S283C, S488C.
Identifiers: ClinVar variation 2745215 (VCV002745215.4), dbSNP rs2519810957, ClinGen allele CA413166447.

ClinVar aggregate classification (germline): Uncertain significance (1 of 4 stars; one submission).

Conditions:
Intellectual developmental disorder, X-linked 1. Also called: MENTAL RETARDATION, X-LINKED 18; MENTAL RETARDATION, X-LINKED 78; Atkin Flaitz Patil Smith syndrome; Intellectual disability, X-linked 1. Identifiers: Orphanet 777, MedGen C2931498, MONDO:0010656, OMIM 309530.

Submissions (2):

Labcorp Genetics (formerly Invitae), Labcorp
Classification: Uncertain significance for Intellectual developmental disorder, X-linked 1. Last evaluated: 2023-07-19. Review status: criteria provided, single submitter. Criteria: Invitae Variant Classification Sherloc (09022015). Collection method: clinical testing. Allele origin: germline.
Comment: This sequence change replaces serine, which is neutral and polar, with cysteine, which is neutral and slightly polar, at codon 488 of the IQSEC2 protein (p.Ser488Cys). This variant is not present in population databases (gnomAD no frequency). This variant has not been reported in the literature in individuals affected with IQSEC2-related conditions. Advanced modeling of protein sequence and biophysical properties (such as structural, functional, and spatial information, amino acid conservation, physicochemical variation, residue mobility, and thermodynamic stability) performed at Invitae indicates that this missense variant is not expected to disrupt IQSEC2 protein function. In summary, the available evidence is currently insufficient to determine the role of this variant in disease. Therefore, it has been classified as a Variant of Uncertain Significance.

Dr. Peter K. Rogan Lab, Western University
No classification provided (evidence only). Condition: Thyroid cancer, nonmedullary, 1. Review status: no classification provided. Collection method: in vitro. Allele origin: not applicable. Functional consequence: retained intron. Not counted in ClinVar's aggregate classification.